The following is an entry in ClinVar:

ClinVar aggregate classification (germline): Uncertain significance. Review status: criteria provided, multiple submitters, no conflicts (2 of 4 stars). 3 submissions from 3 submitters: Uncertain significance (3). Last evaluated 2026-05-05.

Conditions:
TNXB-related disorder. Also called: TNXB-related condition.
Cardiovascular phenotype. Identifiers: MedGen CN230736.

Allele frequency attached by ClinVar (database versions not stated): TOPMed below 0.00001; gnomAD 0.00001; gnomAD exomes 0.00001; ExAC 0.00002.
gnomAD v4.1: 13 of 1,564,584 alleles (0.00083%); highest among the groups gnomAD compares: Admixed American, 0.0053%; no homozygotes.

Submissions (3):

PreventionGenetics, part of Exact Sciences
Classification: Uncertain significance for TNXB-related condition. Last evaluated: 2026-05-05. Review status: criteria provided, single submitter. Criteria: ACMG Guidelines, 2015. Collection method: clinical testing. Allele origin: germline.
Comment: The TNXB c.5276C>T variant is predicted to result in the amino acid substitution p.Thr1759Met. To our knowledge, this variant has not been reported in the literature. This variant is reported in 0.0064% of alleles in individuals of Latino descent in gnomAD. At this time, the clinical significance of this variant is uncertain due to the absence of conclusive functional and genetic evidence.

Ambry Genetics
Classification: Uncertain significance for Cardiovascular phenotype. Last evaluated: 2024-09-24. Review status: criteria provided, single submitter. Criteria: Ambry Variant Classification Scheme 2023. Collection method: clinical testing. Allele origin: germline.
Comment: The p.T1759M variant (also known as c.5276C>T), located in coding exon 13 of the TNXB gene, results from a C to T substitution at nucleotide position 5276. The threonine at codon 1759 is replaced by methionine, an amino acid with similar properties. This amino acid position is conserved. In addition, the in silico prediction for this alteration is inconclusive. Since supporting evidence is limited at this time, the clinical significance of this alteration remains unclear.

GeneDx
Classification: Uncertain significance. Last evaluated: 2023-05-23. Review status: criteria provided, single submitter. Criteria: GeneDx Variant Classification Process June 2021. Collection method: clinical testing. Allele origin: germline. Affected: yes.
Comment: Has not been previously published as pathogenic or benign to our knowledge; Not observed at significant frequency in large population cohorts (gnomAD); In silico analysis supports that this missense variant has a deleterious effect on protein structure/function

NM_001365276.2(TNXB):c.5276C>T (p.Thr1759Met)

Gene: TNXB (tenascin XB; minus strand). Cytogenetic location: 6p21.33.
Variant type: single nucleotide variant.
Coding change: c.5276C>T on transcript NM_001365276.2 (MANE Select); coding-DNA position 5276, C replaced by T.
Protein change: p.Thr1759Met; replaces threonine 1759 with methionine.
Molecular consequence: missense variant.
Genome position (GRCh38, 1-based): chr6:32,070,129, G>A on the plus strand (C>T on the coding strand, the complement: TNXB is on the minus strand). VCF-style: chr6-32070129-G-A. GRCh37 (hg19) VCF-style: chr6-32037906-G-A.
Other names: c.5276C>T, p.Thr1759Met (NM_019105.8); short protein forms T1759M.
Identifiers: ClinVar variation 1327229 (VCV001327229.8), dbSNP rs778500698, ClinGen allele CA3734750.